The following is an entry in ClinVar:

NM_000059.4(BRCA2):c.425+12C>G

Gene: BRCA2 (BRCA2 DNA repair associated; plus strand). Cytogenetic location: 13q13.1.
Variant type: single nucleotide variant.
Coding change: c.425+12C>G on transcript NM_000059.4 (MANE Select); 12 bases into the intron after coding-DNA position 425, C replaced by G.
Molecular consequence: intron variant.
Genome position (GRCh38, 1-based): chr13:32,325,196, C>G. VCF-style: chr13-32325196-C-G. GRCh37 (hg19) VCF-style: chr13-32899333-C-G.
Identifiers: ClinVar variation 860159 (VCV000860159.10), dbSNP rs1593886129, ClinGen allele CA916080525.
Genomic context (GRCh38, chr13:32,325,196, plus strand): 5'-AAGCAGATGATGTTTCCTGTCCACTTCTAAATTCTTGTCTTAGTGAAAGGTATGATGAAG[C>G]TATTATATTAAAATATTTAAATGAAACATTTTCCTACATATATTTGTTCTATAAAGATGA-3'

ClinVar aggregate classification (germline): Uncertain significance (1 of 4 stars; one submission).

Conditions:
Hereditary breast ovarian cancer syndrome. Also called: Hereditary breast and ovarian cancer; Breast and ovarian cancer; Hereditary breast and/or ovarian cancer syndrome; Hereditary breast and ovarian cancer syndrome; Hereditary breast and ovarian cancer syndrome (HBOC); BRCA1- and BRCA2-Associated Hereditary Breast and Ovarian Cancer. Identifiers: Orphanet 145, MedGen C0677776, MeSH D061325, MONDO:0003582. Disease mechanism: loss of function.

Submission:

Labcorp Genetics (formerly Invitae), Labcorp
Classification: Uncertain significance for Hereditary breast ovarian cancer syndrome. Last evaluated: 2023-09-25. Review status: criteria provided, single submitter. Criteria: Invitae Variant Classification Sherloc (09022015). Collection method: clinical testing. Allele origin: germline.
Comment: This sequence change falls in intron 4 of the BRCA2 gene. It does not directly change the encoded amino acid sequence of the BRCA2 protein. This variant is not present in population databases (gnomAD no frequency). This variant has not been reported in the literature in individuals affected with BRCA2-related conditions. ClinVar contains an entry for this variant (Variation ID: 860159). Algorithms developed to predict the effect of sequence changes on RNA splicing suggest that this variant may create or strengthen a splice site. In summary, the available evidence is currently insufficient to determine the role of this variant in disease. Therefore, it has been classified as a Variant of Uncertain Significance.